The following is an entry in ClinVar:

NM_001844.5(COL2A1):c.4015AGCAAG[1] (p.1339SK[1])

Gene: COL2A1 (collagen type II alpha 1 chain; minus strand). Cytogenetic location: 12q13.11.
Variant type: Microsatellite.
Coding change: c.4015AGCAAG[1] on transcript NM_001844.5 (MANE Select); one copy of the 6-base unit AGCAAG starting at c.4015; the reference has two copies in a row; one copy, 6 bases deleted.
Protein change: p.1339SK[1].
Molecular consequence: inframe deletion.
Genome position (GRCh38, 1-based): chr12:47,974,723-47,974,728, CTTGCT deleted on the plus strand (AGCAAG on the coding strand, the reverse complement: COL2A1 is on the minus strand); deleting any 6 consecutive bases within chr12:47,974,723-47,974,734 gives the same sequence; the position shown is the placement nearest the transcript's 3' end. VCF-style (leftmost placement, unchanged base first): chr12-47974722-CCTTGCT-C. GRCh37 (hg19) VCF-style: chr12-48368505-CCTTGCT-C.
Other names: c.3808AGCAAG[1], p.1270SK[1] (NM_033150.3); c.4021_4026del6 (NM_001844.4).
Identifiers: ClinVar variation 1927415 (VCV001927415.7), dbSNP rs2540097160, ClinGen allele CA2580615169.
Genomic context (GRCh38, chr12:47,974,722, plus strand): 5'-CCCAGGTACTCACATGGAAGCCACCATTGATGGTTTCTCCAAACCAGATGTGTTTCTTCT[CCTTGCT>C]CTTGCTGCTCCACCAGTTCTTCTTGGGAACGTTTGCTGGATTGGGGTAGACGCAAGTCTC-3'

ClinVar aggregate classification (germline): Uncertain significance. Review status: criteria provided, multiple submitters, no conflicts (2 of 4 stars). 3 submissions from 3 submitters: Uncertain significance (3). Last evaluated 2024-01-19.

Conditions:
COL2A1-related disorder. Also called: COL2A1-related condition; COL2A1-related disorders.

Submissions (3):

Blueprint Genetics
Classification: Uncertain significance. Last evaluated: 2024-01-19. Review status: criteria provided, single submitter. Criteria: ACMG Guidelines, 2015. Collection method: clinical testing. Allele origin: germline.

PreventionGenetics, part of Exact Sciences
Classification: Uncertain significance for COL2A1-related condition. Last evaluated: 2022-11-01. Review status: criteria provided, single submitter. Criteria: ACMG Guidelines, 2015. Collection method: clinical testing. Allele origin: germline.
Comment: The COL2A1 c.4021_4026del6 variant is predicted to result in an in-frame deletion (p.Ser1341_Lys1342del). To our knowledge, this variant has not been reported in the literature or in a large population database, indicating this variant is rare. At this time, the clinical significance of this variant is uncertain due to the absence of conclusive functional and genetic evidence.

Labcorp Genetics (formerly Invitae), Labcorp
Classification: Uncertain significance. Last evaluated: 2022-04-19. Review status: criteria provided, single submitter. Criteria: Invitae Variant Classification Sherloc (09022015). Collection method: clinical testing. Allele origin: germline.
Comment: This variant, c.4021_4026del, results in the deletion of 2 amino acid(s) of the COL2A1 protein (p.Ser1341_Lys1342del), but otherwise preserves the integrity of the reading frame. In summary, the available evidence is currently insufficient to determine the role of this variant in disease. Therefore, it has been classified as a Variant of Uncertain Significance. Experimental studies and prediction algorithms are not available or were not evaluated, and the functional significance of this variant is currently unknown. This variant has not been reported in the literature in individuals affected with COL2A1-related conditions. This variant is not present in population databases (gnomAD no frequency).